The following is an entry in ClinVar:

NM_006941.4(SOX10):c.316C>G (p.Arg106Gly)

Genes: POLR2F (RNA polymerase II, I and III subunit F; plus strand), SOX10 (SRY-box transcription factor 10; minus strand). Cytogenetic location: 22q13.1.
Variant type: single nucleotide variant.
Coding change: c.316C>G on transcript NM_006941.4 (MANE Select); coding-DNA position 316, C replaced by G.
Protein change: p.Arg106Gly; replaces arginine 106 with glycine.
Molecular consequence: missense variant. On other transcripts: intron variant (3).
Genome position (GRCh38, 1-based): chr22:37,983,469, G>C on the plus strand (C>G on the coding strand, the complement: SOX10 is on the minus strand). VCF-style: chr22-37983469-G-C. GRCh37 (hg19) VCF-style: chr22-38379476-G-C.
Other names: c.*38+11159G>C (NM_001363825.1); c.294-2685G>C (NM_001301130.2); c.293+16299G>C (NM_001301131.2); short protein forms R106G.
Identifiers: ClinVar variation 374266 (VCV000374266.4), dbSNP rs1057518656, ClinGen allele CA16043702.
Genomic context (GRCh38, chr22:37,983,469, plus strand): 5'-ACTGGTCCGCGAGCTTCCTGCGCGCTGCCTGAGCCCACACCATGAAGGCGTTCATGGGCC[G>C]CTTGACGTGCGGCTTGCTTTTGCTGGCGCCGTTGACGCGCACGGGCATGGGCACCAGCGT-3'
Protein context (NP_008872.1, residues 96-116): GASKSKPHVK[Arg106Gly]PMNAFMVWAQ

ClinVar aggregate classification (germline): Likely pathogenic (0 of 4 stars; one submission).

Conditions:
Waardenburg syndrome type 2E (WS2E). Also called: WS2E, WITH OR WITHOUT NEUROLOGIC INVOLVEMENT; WAARDENBURG SYNDROME, TYPE 2E, WITH OR WITHOUT NEUROLOGIC INVOLVEMENT; HYPOGONADOTROPIC HYPOGONADISM WITH ANOSMIA AND DEAFNESS, WITH OR WITHOUT HYPOPIGMENTATION. Identifiers: Orphanet 3440, MedGen C2700405, MONDO:0012698, OMIM 611584.

Submission:

Baylor Genetics
Classification: Likely pathogenic for Waardenburg syndrome type 2E. Last evaluated: 2014-12-30. Review status: no assertion criteria provided. Collection method: clinical testing. Allele origin: de novo. Inheritance: Autosomal dominant inheritance. Affected: yes. Observed: 1 variant allele, 1 heterozygote.